The following is an entry in ClinVar:

NM_000026.4(ADSL):c.655G>T (p.Val219Leu)

Gene: ADSL (adenylosuccinate lyase; plus strand). Cytogenetic location: 22q13.1.
Variant type: single nucleotide variant.
Coding change: c.655G>T on transcript NM_000026.4 (MANE Select); coding-DNA position 655, G replaced by T.
Protein change: p.Val219Leu; replaces valine 219 with leucine.
Molecular consequence: missense variant. On other transcripts: non-coding transcript variant (1).
Genome position (GRCh38, 1-based): chr22:40,359,260, G>T. VCF-style: chr22-40359260-G-T. GRCh37 (hg19) VCF-style: chr22-40755264-G-T.
Other names: c.655G>T, p.Val219Leu (NM_001123378.3, NM_001363840.3); c.463G>T, p.Val155Leu (NM_001317923.2); short protein forms V155L, V219L.
Identifiers: ClinVar variation 1006290 (VCV001006290.7), dbSNP rs1555907605, ClinGen allele CA411641700.

ClinVar aggregate classification (germline): Uncertain significance (1 of 4 stars; one submission).

Conditions:
Adenylosuccinate lyase deficiency (ADSLD). Also called: ADSL DEFICIENCY. Identifiers: Orphanet 46, MedGen C0268126, MONDO:0007068, OMIM 103050.

Submission:

Labcorp Genetics (formerly Invitae), Labcorp
Classification: Uncertain significance for Adenylosuccinate lyase deficiency. Last evaluated: 2020-05-12. Review status: criteria provided, single submitter. Criteria: Invitae Variant Classification Sherloc (09022015). Collection method: clinical testing. Allele origin: germline.
Comment: Algorithms developed to predict the effect of sequence changes on RNA splicing suggest that this variant may disrupt the consensus splice site, but this prediction has not been confirmed by published transcriptional studies. In summary, the available evidence is currently insufficient to determine the role of this variant in disease. Therefore, it has been classified as a Variant of Uncertain Significance. Algorithms developed to predict the effect of missense changes on protein structure and function (SIFT, PolyPhen-2, Align-GVGD) all suggest that this variant is likely to be disruptive, but these predictions have not been confirmed by published functional studies and their clinical significance is uncertain. This variant has not been reported in the literature in individuals with ADSL-related conditions. This variant is not present in population databases (ExAC no frequency). This sequence change replaces valine with leucine at codon 219 of the ADSL protein (p.Val219Leu). The valine residue is highly conserved and there is a small physicochemical difference between valine and leucine.